The following is an entry in ClinVar:

ClinVar aggregate classification (germline): Uncertain significance (1 of 4 stars; one submission).

Conditions:
Spastic ataxia 2. Also called: Ataxia, spastic, 2, autosomal recessive. Identifiers: Orphanet 397946, MedGen C1969796, MONDO:0012651, OMIM 611302.

Allele frequency attached by ClinVar (database versions not stated): gnomAD 0.00005; gnomAD exomes 0.00001; ESP Exome Variant Server 0.00008; ExAC 0.00002; TOPMed 0.00005.
gnomAD v4.1: 18 of 1,612,866 alleles (0.0011%); highest among the groups gnomAD compares: African/African-American, 0.019%; no homozygotes.

Submission:

Labcorp Genetics (formerly Invitae), Labcorp
Classification: Uncertain significance for Spastic ataxia 2. Last evaluated: 2022-08-21. Review status: criteria provided, single submitter. Criteria: Invitae Variant Classification Sherloc (09022015). Collection method: clinical testing. Allele origin: germline.
Comment: This sequence change falls in intron 20 of the KIF1C gene. It does not directly change the encoded amino acid sequence of the KIF1C protein. It affects a nucleotide within the consensus splice site. This variant is present in population databases (rs370547637, gnomAD 0.02%). This variant has not been reported in the literature in individuals affected with KIF1C-related conditions. Variants that disrupt the consensus splice site are a relatively common cause of aberrant splicing (PMID: 17576681, 9536098). Algorithms developed to predict the effect of sequence changes on RNA splicing suggest that this variant may create or strengthen a splice site. In summary, the available evidence is currently insufficient to determine the role of this variant in disease. Therefore, it has been classified as a Variant of Uncertain Significance.

Literature cited by the submitters: PubMed 17576681; PubMed 9536098.

NM_006612.6(KIF1C):c.1937+4C>T

Genes: KIF1C (kinesin family member 1C; plus strand), LOC126862473 (CDK7 strongly-dependent group 2 enhancer GRCh37_chr17:4923264-4924463; plus strand). Cytogenetic location: 17p13.2.
Variant type: single nucleotide variant.
Coding change: c.1937+4C>T on transcript NM_006612.6 (MANE Select); 4 bases into the intron after coding-DNA position 1937, C replaced by T.
Molecular consequence: intron variant.
Genome position (GRCh38, 1-based): chr17:5,020,682, C>T. VCF-style: chr17-5020682-C-T. GRCh37 (hg19) VCF-style: chr17-4923977-C-T.
Identifiers: ClinVar variation 2049076 (VCV002049076.4), dbSNP rs370547637, ClinGen allele CA8319144.